The following is an entry in ClinVar:

ClinVar aggregate classification (germline): Uncertain significance (1 of 4 stars; one submission).

Conditions:
Hereditary cancer-predisposing syndrome. Also called: Neoplastic Syndromes, Hereditary; Tumor predisposition; Hereditary neoplastic syndrome; Hereditary Cancer Syndrome. Identifiers: Orphanet 140162, MedGen C0027672, MeSH D009386, MONDO:0015356.

gnomAD v4.1: 1 of 1,611,386 alleles (0.000062%); highest among the groups gnomAD compares: East Asian, 0.0022%; no homozygotes.

Submission:

Ambry Genetics
Classification: Uncertain significance for Hereditary cancer-predisposing syndrome. Last evaluated: 2026-07-13. Review status: criteria provided, single submitter. Criteria: Ambry Variant Classification Scheme 2023. Collection method: clinical testing. Allele origin: germline.
Comment: The p.R38L variant (also known as c.113G>T), located in coding exon 1 of the BARD1 gene, results from a G to T substitution at nucleotide position 113. The arginine at codon 38 is replaced by leucine, an amino acid with dissimilar properties. This amino acid position is conserved. In addition, this alteration is predicted to be deleterious by in silico analysis. Based on the available evidence, the clinical significance of this variant remains unclear.

NM_000465.4(BARD1):c.113G>T (p.Arg38Leu)

Gene: BARD1 (BRCA1 associated RING domain 1; minus strand). Cytogenetic location: 2q35.
Variant type: single nucleotide variant.
Coding change: c.113G>T on transcript NM_000465.4 (MANE Select); coding-DNA position 113, G replaced by T.
Protein change: p.Arg38Leu; replaces arginine 38 with leucine.
Molecular consequence: missense variant. On other transcripts: non-coding transcript variant (3).
Genome position (GRCh38, 1-based): chr2:214,809,457, C>A on the plus strand (G>T on the coding strand, the complement: BARD1 is on the minus strand). VCF-style: chr2-214809457-C-A. GRCh37 (hg19) VCF-style: chr2-215674181-C-A.
Other names: c.113G>T, p.Arg38Leu (NM_001282543.2, NM_001282545.2, NM_001282548.2 and 1 more transcripts); short protein forms R38L.
Identifiers: ClinVar variation 5032791 (VCV005032791.1).